The following is an entry in ClinVar:

NM_000071.3(CBS):c.1554C>A (p.Tyr518Ter)

Gene: CBS (cystathionine beta-synthase; minus strand). Cytogenetic location: 21q22.3.
Variant type: single nucleotide variant.
Coding change: c.1554C>A on transcript NM_000071.3 (MANE Select); coding-DNA position 1554, C replaced by A.
Protein change: p.Tyr518Ter; replaces tyrosine 518 with a stop codon.
Molecular consequence: nonsense.
Genome position (GRCh38, 1-based): chr21:43,053,982, G>T on the plus strand (C>A on the coding strand, the complement: CBS is on the minus strand). VCF-style: chr21-43053982-G-T. GRCh37 (hg19) VCF-style: chr21-44474092-G-T.
Other names: c.1239C>A, p.Tyr413Ter (NM_001321072.1); c.1554C>A, p.Tyr518Ter (NM_001178008.3, NM_001178009.3, NM_001320298.2); short protein forms Y413*, Y518*.
Identifiers: ClinVar variation 4816520 (VCV004816520.1).
Genomic context (GRCh38, chr21:43,053,982, plus strand): 5'-GTCAATGGCGGTGACCACCCCGAACACCATCTGCCGCTGACTGGACTTCCCGGTGCTGTG[G>T]TCTGAGGGGAGAACGAGGCAGTGGGTTTGCAGGTGCCGTGGGAGGCTGGGTGGGCTGCTG-3'

ClinVar aggregate classification (germline): Likely pathogenic (1 of 4 stars; one submission).

Conditions:
Classic homocystinuria. Also called: HOMOCYSTINURIA WITH OR WITHOUT RESPONSE TO PYRIDOXINE; Homocystinuria due to CBS deficiency; Cystathionine beta-synthase deficiency; CBS deficiency; Homocystinuria due to Cystathionine Beta-Synthase Deficiency. Identifiers: Orphanet 394, MedGen C0751202, MONDO:0009352, OMIM 236200.

Submission:

Natera, Inc.
Classification: Likely pathogenic for Homocystinuria due to cystathionine beta-synthase deficiency. Last evaluated: 2024-11-22. Review status: criteria provided, single submitter. Criteria: Natera Variant Classification Schema (03/2026). Collection method: clinical testing. Allele origin: germline.
Comment: The c.1554C>A variant in CBS is a nonsense variant predicted to introduce a stop codon at amino acid 518. This variant is expected to result in nonsense mediated decay, truncation, or a dysfunctional protein product. This variant is rare in the general population with a frequency below the threshold expected for the associated phenotype(s). Given the available evidence, this variant is classified as Likely Pathogenic.